The following is an entry in ClinVar:

NM_001039141.3(TRIOBP):c.964G>T (p.Ala322Ser)

Gene: TRIOBP (TRIO and F-actin binding protein; plus strand). Cytogenetic location: 22q13.1.
Variant type: single nucleotide variant.
Coding change: c.964G>T on transcript NM_001039141.3 (MANE Select); coding-DNA position 964, G replaced by T.
Protein change: p.Ala322Ser; replaces alanine 322 with serine.
Molecular consequence: missense variant.
Genome position (GRCh38, 1-based): chr22:37,723,520, G>T. VCF-style: chr22-37723520-G-T. GRCh37 (hg19) VCF-style: chr22-38119527-G-T.
Other names: short protein forms A322S.
Identifiers: ClinVar variation 1034398 (VCV001034398.14), dbSNP rs201693690, ClinGen allele CA10223488.

ClinVar aggregate classification (germline): Conflicting classifications of pathogenicity. Review status: criteria provided, conflicting classifications (1 of 4 stars). 5 submissions from 5 submitters: Uncertain significance (1); Benign (1); Likely benign (2). 1 of the submissions does not count toward it. Last evaluated 2026-01-06.

Conditions:
TRIOBP-related disorder. Also called: TRIOBP-related condition.
Autosomal recessive nonsyndromic hearing loss 28. Identifiers: Orphanet 90636, MedGen C1853276, MONDO:0012355, OMIM 609823.

Allele frequency attached by ClinVar (database versions not stated): gnomAD exomes 0.00011 and 0.00063; gnomAD 0.00014 and 0.00019; TOPMed 0.00029; ExAC 0.00047; 1000 Genomes Project 30x 0.00109; 1000 Genomes Project 0.00140.
gnomAD v4.1: 217 of 1,613,682 alleles (0.013%); highest among the groups gnomAD compares: East Asian, 0.41%; no homozygotes.

Submissions (5):

Labcorp Genetics (formerly Invitae), Labcorp
Classification: Benign. Last evaluated: 2026-01-06. Review status: criteria provided, single submitter. Criteria: Invitae Variant Classification Sherloc (09022015). Collection method: clinical testing. Allele origin: germline.

Blueprint Genetics
Classification: Likely benign. Last evaluated: 2024-06-12. Review status: criteria provided, single submitter. Criteria: ACMG Guidelines, 2015. Collection method: clinical testing. Allele origin: germline.

GeneDx
Classification: Likely benign. Last evaluated: 2020-11-17. Review status: criteria provided, single submitter. Criteria: GeneDx Variant Classification Process June 2021. Collection method: clinical testing. Allele origin: germline. Affected: yes.
Comment: This variant is associated with the following publications: (PMID: 30140248)

Baylor Genetics
Classification: Uncertain significance for Autosomal recessive nonsyndromic hearing loss 28. Last evaluated: 2018-02-07. Review status: criteria provided, single submitter. Criteria: ACMG Guidelines, 2015. Collection method: clinical testing. Allele origin: unknown. Affected: yes.
Comment: This variant was determined to be of uncertain significance according to ACMG Guidelines, 2015 [PMID:25741868].

PreventionGenetics, part of Exact Sciences
Classification: Benign for TRIOBP-related condition. Last evaluated: 2019-12-24. Review status: no assertion criteria provided. Collection method: clinical testing. Allele origin: germline. Not counted in ClinVar's aggregate classification.
Comment: This variant is classified as benign based on ACMG/AMP sequence variant interpretation guidelines (Richards et al. 2015 PMID: 25741868, with internal and published modifications).